The following is an entry in ClinVar:

ClinVar aggregate classification (germline): Uncertain significance. Review status: criteria provided, multiple submitters, no conflicts (2 of 4 stars). 3 submissions from 3 submitters: Uncertain significance (3). Last evaluated 2022-08-01.

Conditions:
Combined immunodeficiency due to LRBA deficiency. Also called: Common variable immunodeficiency 8, with autoimmunity. Identifiers: Orphanet 445018, MedGen C3553512, MONDO:0013863, OMIM 614700.

Allele frequency attached by ClinVar (database versions not stated): gnomAD exomes below 0.00001.
gnomAD v4.1: 3 of 1,614,124 alleles (0.00019%); highest among the groups gnomAD compares: East Asian, 0.0045%; no homozygotes.

Submissions (3):

CeGaT Center for Human Genetics Tuebingen
Classification: Uncertain significance. Last evaluated: 2022-08-01. Review status: criteria provided, single submitter. Criteria: CeGaT Center For Human Genetics Tuebingen Variant Classification Criteria Version 2. Collection method: clinical testing. Allele origin: germline. Affected: yes. Observed: 1 variant allele.
Comment: LRBA: PM2

Labcorp Genetics (formerly Invitae), Labcorp
Classification: Uncertain significance for Combined immunodeficiency due to LRBA deficiency. Last evaluated: 2022-05-12. Review status: criteria provided, single submitter. Criteria: Invitae Variant Classification Sherloc (09022015). Collection method: clinical testing. Allele origin: germline.
Comment: This sequence change replaces alanine, which is neutral and non-polar, with glycine, which is neutral and non-polar, at codon 1636 of the LRBA protein (p.Ala1636Gly). This variant is not present in population databases (gnomAD no frequency). In summary, the available evidence is currently insufficient to determine the role of this variant in disease. Therefore, it has been classified as a Variant of Uncertain Significance. Algorithms developed to predict the effect of missense changes on protein structure and function are either unavailable or do not agree on the potential impact of this missense change (SIFT: "Tolerated"; PolyPhen-2: "Possibly Damaging"; Align-GVGD: "Class C0"). ClinVar contains an entry for this variant (Variation ID: 932580). This variant has not been reported in the literature in individuals affected with LRBA-related conditions.

Mayo Clinic Laboratories, Mayo Clinic
Classification: Uncertain significance. Last evaluated: 2020-02-14. Review status: criteria provided, single submitter. Criteria: ACMG Guidelines, 2015. Collection method: clinical testing. Allele origin: germline. Observed: 1 variant allele.

NM_001364905.1(LRBA):c.4907C>G (p.Ala1636Gly)

Gene: LRBA (LPS responsive beige-like anchor protein; minus strand). Cytogenetic location: 4q31.3.
Variant type: single nucleotide variant.
Coding change: c.4907C>G on transcript NM_001364905.1 (MANE Select); coding-DNA position 4907, C replaced by G.
Protein change: p.Ala1636Gly; replaces alanine 1636 with glycine.
Molecular consequence: missense variant.
Genome position (GRCh38, 1-based): chr4:150,828,444, G>C on the plus strand (C>G on the coding strand, the complement: LRBA is on the minus strand). VCF-style: chr4-150828444-G-C. GRCh37 (hg19) VCF-style: chr4-151749596-G-C.
Other names: c.4907C>G, p.Ala1636Gly (NM_006726.5, NM_001199282.3, NM_001367550.1); short protein forms A1636G.
Identifiers: ClinVar variation 932580 (VCV000932580.49), dbSNP rs1315950546, ClinGen allele CA358444042.